The following is an entry in ClinVar:

ClinVar aggregate classification (germline): Uncertain significance. Review status: criteria provided, multiple submitters, no conflicts (2 of 4 stars). 4 submissions from 4 submitters: Uncertain significance (4). Last evaluated 2026-09-21.

Conditions:
SAMD9-related disorder. Also called: SAMD9-related condition.
Inborn genetic diseases. Identifiers: MedGen C0950123, MeSH D030342.

gnomAD v4.1: 5 of 1,613,862 alleles (0.00031%); highest among the groups gnomAD compares: African/African-American, 0.0013%; no homozygotes.

Submissions (4):

PreventionGenetics, part of Exact Sciences
Classification: Uncertain significance for SAMD9-related condition. Last evaluated: 2026-09-21. Review status: criteria provided, single submitter. Criteria: ACMG Guidelines, 2015. Collection method: clinical testing. Allele origin: germline.
Comment: The SAMD9 c.1033G>A variant is predicted to result in the amino acid substitution p.Asp345Asn. To our knowledge, this variant has not been reported in the literature. This variant is reported in 0.0065% of alleles in individuals of European (Non-Finnish) descent in gnomAD. At this time, the clinical significance of this variant is uncertain due to the absence of conclusive functional and genetic evidence.

Labcorp Genetics (formerly Invitae), Labcorp
Classification: Uncertain significance. Last evaluated: 2025-06-20. Review status: criteria provided, single submitter. Criteria: Invitae Variant Classification Sherloc (09022015). Collection method: clinical testing. Allele origin: germline.
Comment: This sequence change replaces aspartic acid, which is acidic and polar, with asparagine, which is neutral and polar, at codon 345 of the SAMD9 protein (p.Asp345Asn). This variant is present in population databases (no rsID available, gnomAD 0.007%). This variant has not been reported in the literature in individuals affected with SAMD9-related conditions. ClinVar contains an entry for this variant (Variation ID: 3437034). Invitae Evidence Modeling of protein sequence and biophysical properties (such as structural, functional, and spatial information, amino acid conservation, physicochemical variation, residue mobility, and thermodynamic stability) has been performed for this missense variant. However, the output from this modeling did not meet the statistical confidence thresholds required to predict the impact of this variant on SAMD9 protein function. In summary, the available evidence is currently insufficient to determine the role of this variant in disease. Therefore, it has been classified as a Variant of Uncertain Significance.

Ambry Genetics
Classification: Uncertain significance for Inborn genetic diseases. Last evaluated: 2024-11-24. Review status: criteria provided, single submitter. Criteria: Ambry Variant Classification Scheme 2023. Collection method: clinical testing. Allele origin: germline.
Comment: The p.D345N variant (also known as c.1033G>A), located in coding exon 1 of the SAMD9 gene, results from a G to A substitution at nucleotide position 1033. The aspartic acid at codon 345 is replaced by asparagine, an amino acid with highly similar properties. This amino acid position is conserved. In addition, this alteration is predicted to be tolerated by in silico analysis. Based on the available evidence, the clinical significance of this variant remains unclear.

Blueprint Genetics
Classification: Uncertain significance. Last evaluated: 2023-05-25. Review status: criteria provided, single submitter. Criteria: ACMG Guidelines, 2015. Collection method: clinical testing. Allele origin: germline.

NM_017654.4(SAMD9):c.1033G>A (p.Asp345Asn)

Gene: SAMD9 (sterile alpha motif domain containing 9; minus strand). Cytogenetic location: 7q21.2.
Variant type: single nucleotide variant.
Coding change: c.1033G>A on transcript NM_017654.4 (MANE Select); coding-DNA position 1033, G replaced by A.
Protein change: p.Asp345Asn; replaces aspartic acid 345 with asparagine.
Molecular consequence: missense variant.
Genome position (GRCh38, 1-based): chr7:93,105,065, C>T on the plus strand (G>A on the coding strand, the complement: SAMD9 is on the minus strand). VCF-style: chr7-93105065-C-T. GRCh37 (hg19) VCF-style: chr7-92734378-C-T.
Other names: c.1033G>A, p.Asp345Asn (NM_001193307.2); short protein forms D345N.
Identifiers: ClinVar variation 3437034 (VCV003437034.5).